The following is an entry in ClinVar:

NM_003242.6(TGFBR2):c.226A>C (p.Ile76Leu)

Gene: TGFBR2 (transforming growth factor beta receptor 2; plus strand). Cytogenetic location: 3p24.1.
Variant type: single nucleotide variant.
Coding change: c.226A>C on transcript NM_003242.6 (MANE Select); coding-DNA position 226, A replaced by C.
Protein change: p.Ile76Leu; replaces isoleucine 76 with leucine.
Molecular consequence: missense variant. On other transcripts: intron variant (2).
Genome position (GRCh38, 1-based): chr3:30,644,878, A>C. VCF-style: chr3-30644878-A-C. GRCh37 (hg19) VCF-style: chr3-30686370-A-C.
Other names: c.226A>C, p.Ile76Leu (NM_001407127.1, NM_001407130.1); c.253A>C, p.Ile85Leu (NM_001407128.1); c.301A>C, p.Ile101Leu (NM_001407126.1, NM_001024847.3, NM_001407139.1); c.121A>C, p.Ile41Leu (NM_001407129.1, NM_001407132.1, NM_001407133.1 and 3 more transcripts); c.169+21605A>C (NM_001407137.1); c.95-26760A>C (NM_001407138.1); short protein forms I101L, I41L, I76L, I85L.
Identifiers: ClinVar variation 3074609 (VCV003074609.1), dbSNP rs754370908, ClinGen allele CA351806593.
Genomic context (GRCh38, chr3:30,644,878, plus strand): 5'-GTGAGATTTTCCACCTGTGACAACCAGAAATCCTGCATGAGCAACTGCAGCATCACCTCC[A>C]TCTGTGAGAAGCCACAGGAAGTCTGTGTGGCTGTATGGTAAGCAAGCCTTTTAAGAAGTT-3'
Protein context (NP_003233.4, residues 66-86): SCMSNCSITS[Ile76Leu]CEKPQEVCVA

ClinVar aggregate classification (germline): Uncertain significance (1 of 4 stars; one submission).

Conditions:
Loeys-Dietz syndrome 2 (LDS2). Also called: TGFBR2-Related Loeys-Dietz Syndrome; AORTIC ANEURYSM, FAMILIAL THORACIC 3; MARFAN SYNDROME, TYPE II; Marfan syndrome, type 2 (formerly); Marfan Syndrome type 2; Marfan like connective tissue disorder. Identifiers: Orphanet 284973, Orphanet 558, MedGen C2674574, MONDO:0012427, OMIM 610168.

Allele frequency attached by ClinVar (database versions not stated): TOPMed below 0.00001; gnomAD 0.00001.
gnomAD v4.1: 3 of 1,614,040 alleles (0.00019%); highest among the groups gnomAD compares: South Asian, 0.0022%; no homozygotes.

Submission:

All of Us Research Program, National Institutes of Health
Classification: Uncertain significance for Loeys-Dietz syndrome 2. Last evaluated: 2023-11-20. Review status: criteria provided, single submitter. Criteria: ACMG Guidelines, 2015. Collection method: clinical testing. Allele origin: germline. Inheritance: Autosomal dominant inheritance. Observed: 1 variant allele, 1 heterozygote.
Comment: This missense variant replaces isoleucine with leucine at codon 76 of the TGFBR2 protein. Computational prediction suggests that this variant may not impact protein structure and function (internally defined REVEL score threshold <= 0.5, PMID: 27666373). To our knowledge, functional studies have not been reported for this variant. This variant has not been reported in individuals affected with TGFBR2-related disorders in the literature. This variant has not been identified in the general population by the Genome Aggregation Database (gnomAD). The available evidence is insufficient to determine the role of this variant in disease conclusively. Therefore, this variant is classified as a Variant of Uncertain Significance.

This study involves interpretation of variants in research participants for the purpose of population health screening. Participant phenotype was not available at the time of variant classification. Additional details can be found in publication PMID: 35346344, PMCID: PMC8962531